The following is an entry in ClinVar:

ClinVar aggregate classification (germline): Pathogenic (1 of 4 stars; one submission).

Conditions:
Hereditary cancer-predisposing syndrome. Also called: Neoplastic Syndromes, Hereditary; Hereditary Cancer Syndrome; Hereditary neoplastic syndrome; Tumor predisposition. Identifiers: Orphanet 140162, MedGen C0027672, MeSH D009386, MONDO:0015356.

Submission:

Ambry Genetics
Classification: Pathogenic for Hereditary cancer-predisposing syndrome. Last evaluated: 2023-04-10. Review status: criteria provided, single submitter. Criteria: Ambry Variant Classification Scheme 2023. Collection method: clinical testing. Allele origin: germline.
Comment: The c.2193dupA pathogenic mutation, located in coding exon 9 of the BRCA1 gene, results from a duplication of A at nucleotide position 2193, causing a translational frameshift with a predicted alternate stop codon (p.E732Rfs*8). This variant is considered to be rare based on population cohorts in the Genome Aggregation Database (gnomAD). This alteration is expected to result in loss of function by premature protein truncation or nonsense-mediated mRNA decay. As such, this alteration is interpreted as a disease-causing mutation.

NM_007294.4(BRCA1):c.2193dup (p.Glu732fs)

Gene: BRCA1 (BRCA1 DNA repair associated; minus strand). Cytogenetic location: 17q21.31.
Variant type: Duplication.
Coding change: c.2193dup on transcript NM_007294.4 (MANE Select); coding-DNA position 2193, one base duplicated (A; older notation c.2193dupA).
Protein change: p.Glu732fs; shifts the reading frame from glutamic acid 732.
Molecular consequence: frameshift variant. On other transcripts: intron variant (137).
Genome position (GRCh38, 1-based): chr17:43,093,338, T duplicated on the plus strand (A on the coding strand, the reverse complement: BRCA1 is on the minus strand); the first of 5 consecutive T bases (chr17:43,093,338-43,093,342); duplicating any one gives the same sequence. VCF-style (leftmost placement, unchanged base first): chr17-43093337-C-CT. GRCh37 (hg19) VCF-style: chr17-41245354-C-CT.
Other names: c.2193dupA (NM_007294.3); c.1980dup, p.Glu661fs (NM_001407571.1, NM_001407853.1, NM_001407894.1 and 9 more transcripts); c.2193dup, p.Glu732fs (NM_001407581.1, NM_001407582.1, NM_001407583.1 and 30 more transcripts); c.2190dup, p.Glu731fs (NM_001407587.1, NM_001407590.1, NM_001407591.1 and 22 more transcripts); c.2184dup, p.Glu729fs (NM_001407646.1, NM_001407647.1); c.2070dup, p.Glu691fs (NM_001407648.1, NM_001407664.1, NM_001407665.1 and 19 more transcripts); c.2067dup, p.Glu690fs (NM_001407649.1, NM_001407670.1, NM_001407671.1 and 11 more transcripts); c.2115dup, p.Glu706fs (NM_001407653.1, NM_001407654.1, NM_001407655.1 and 4 more transcripts); and 42 more; short protein forms E604fs, E620fs, E621fs, E684fs, E685fs, E690fs, E732fs, E436fs.
Identifiers: ClinVar variation 2565336 (VCV002565336.2), dbSNP rs886040009, ClinGen allele CA2580612647.